The following is an entry in ClinVar:

ClinVar aggregate classification (germline): Benign. Review status: criteria provided, multiple submitters, no conflicts (2 of 4 stars). 3 submissions from 3 submitters: Benign (2). 1 of the submissions does not count toward it. Last evaluated 2026-01-27.

Conditions:
ZNF341-related disorder. Also called: ZNF341-related condition.

Allele frequency attached by ClinVar (database versions not stated): gnomAD 0.00001 and 0.00093; TOPMed 0.00021; gnomAD exomes 0.00263; ExAC 0.00297; 1000 Genomes Project 30x 0.00593; 1000 Genomes Project 0.00619.
gnomAD v4.1: 2,088 of 1,609,806 alleles (0.13%); highest among the groups gnomAD compares: South Asian, 2.2%; 36 homozygotes.

Submissions (3):

Labcorp Genetics (formerly Invitae), Labcorp
Classification: Benign. Last evaluated: 2026-01-27. Review status: criteria provided, single submitter. Criteria: Invitae Variant Classification Sherloc (09022015). Collection method: clinical testing. Allele origin: germline.

Breakthrough Genomics
Classification: Benign. Review status: criteria provided, single submitter. Criteria: ACMG Guidelines, 2015. Collection method: not provided. Allele origin: germline. Inheritance: Autosomal recessive inheritance. Affected: yes.

PreventionGenetics, part of Exact Sciences
Classification: Likely benign for ZNF341-related condition. Last evaluated: 2021-08-20. Review status: no assertion criteria provided. Collection method: clinical testing. Allele origin: germline. Not counted in ClinVar's aggregate classification.
Comment: This variant is classified as likely benign based on ACMG/AMP sequence variant interpretation guidelines (Richards et al. 2015 PMID: 25741868, with internal and published modifications).

NM_001282933.2(ZNF341):c.150G>T (p.Glu50Asp)

Gene: ZNF341 (zinc finger protein 341; plus strand). Cytogenetic location: 20q11.22.
Variant type: single nucleotide variant.
Coding change: c.150G>T on transcript NM_001282933.2 (MANE Select); coding-DNA position 150, G replaced by T.
Protein change: p.Glu50Asp; replaces glutamic acid 50 with aspartic acid.
Molecular consequence: missense variant. On other transcripts: non-coding transcript variant (1), intron variant (1).
Genome position (GRCh38, 1-based): chr20:33,745,110, G>T. VCF-style: chr20-33745110-G-T. GRCh37 (hg19) VCF-style: chr20-32332916-G-T.
Other names: c.150G>T, p.Glu50Asp (NM_032819.5); c.70-3813G>T (NM_001282935.2); c.150G>T (NM_001282933.1); short protein forms E50D.
Identifiers: ClinVar variation 1167188 (VCV001167188.12), dbSNP rs577699019, ClinGen allele CA9819089.